The following is an entry in ClinVar:

NM_001089.3(ABCA3):c.1059C>T (p.Phe353=)

Gene: ABCA3 (ATP binding cassette subfamily A member 3; minus strand). Cytogenetic location: 16p13.3.
Variant type: single nucleotide variant.
Coding change: c.1059C>T on transcript NM_001089.3 (MANE Select); coding-DNA position 1059, C replaced by T.
Protein change: p.Phe353=; no amino-acid change (phenylalanine 353 retained).
Molecular consequence: synonymous variant.
Genome position (GRCh38, 1-based): chr16:2,317,335, G>A on the plus strand (C>T on the coding strand, the complement: ABCA3 is on the minus strand). VCF-style: chr16-2317335-G-A. GRCh37 (hg19) VCF-style: chr16-2367336-G-A.
Other names: p.Phe353=.
Identifiers: ClinVar variation 178698 (VCV000178698.21), dbSNP rs13332514, ClinGen allele CA182806.

ClinVar aggregate classification (germline): Benign. Review status: criteria provided, multiple submitters, no conflicts (2 of 4 stars). 8 submissions from 8 submitters: Benign (8). Last evaluated 2026-02-04.

Conditions:
Hereditary pulmonary alveolar proteinosis. Also called: Pulmonary surfactant metabolism dysfunction. Identifiers: Orphanet 264675, MedGen C3711368, MONDO:0012580.
Interstitial lung disease due to ABCA3 deficiency. Also called: PULMONARY ALVEOLAR PROTEINOSIS, CONGENITAL, 3. Identifiers: Orphanet 440402, MedGen C1970456, MONDO:0012582, OMIM 610921.

Allele frequency attached by ClinVar (database versions not stated): ESP Exome Variant Server 0.09464; gnomAD 0.11601 and 0.12287; gnomAD exomes 0.12071 and 0.17021; TOPMed 0.13616; ExAC 0.15720; 1000 Genomes Project 30x 0.18629; 1000 Genomes Project 0.19269.
gnomAD v4.1: 195,277 of 1,613,880 alleles (12%); highest among the groups gnomAD compares: East Asian, 39%; 16,490 homozygotes.

Submissions (8):

Labcorp Genetics (formerly Invitae), Labcorp
Classification: Benign. Last evaluated: 2026-02-04. Review status: criteria provided, single submitter. Criteria: Invitae Variant Classification Sherloc (09022015). Collection method: clinical testing. Allele origin: germline.

Blueprint Genetics
Classification: Benign. Last evaluated: 2024-11-27. Review status: criteria provided, single submitter. Criteria: ACMG Guidelines, 2015. Collection method: clinical testing. Allele origin: germline.

Mayo Clinic Laboratories, Mayo Clinic
Classification: Benign. Last evaluated: 2022-09-06. Review status: criteria provided, single submitter. Criteria: ACMG Guidelines, 2015. Collection method: clinical testing. Allele origin: germline. Observed: 6 variant alleles.

GeneDx
Classification: Benign. Last evaluated: 2018-04-02. Review status: criteria provided, single submitter. Criteria: GeneDx Variant Classification (06012015). Collection method: clinical testing. Allele origin: germline. Affected: yes.
Comment: This variant is considered likely benign or benign based on one or more of the following criteria: it is a conservative change, it occurs at a poorly conserved position in the protein, it is predicted to be benign by multiple in silico algorithms, and/or has population frequency not consistent with disease.

Illumina Laboratory Services, Illumina
Classification: Benign for Interstitial lung disease due to ABCA3 deficiency. Last evaluated: 2018-01-13. Review status: criteria provided, single submitter. Criteria: ICSL Variant Classification Criteria 13 December 2019. Collection method: clinical testing. Allele origin: germline.
Comment: This variant was observed in the ICSL laboratory as part of a predisposition screen in an ostensibly healthy population. It had not been previously curated by ICSL or reported in the Human Gene Mutation Database (HGMD: prior to June 1st, 2018), and was therefore a candidate for classification through an automated scoring system. Utilizing variant allele frequency, disease prevalence and penetrance estimates, and inheritance mode, an automated score was calculated to assess if this variant is too frequent to cause the disease. Based on the score and internal cut-off values, a variant classified as benign is not then subjected to further curation. The score for this variant resulted in a classification of benign for this disease.

Ambry Genetics
Classification: Benign for Hereditary pulmonary alveolar proteinosis. Last evaluated: 2015-10-14. Review status: criteria provided, single submitter. Criteria: Ambry Variant Classification Scheme 2023. Collection method: clinical testing. Allele origin: germline.

Laboratory for Molecular Medicine, Mass General Brigham Personalized Medicine
Classification: Benign. Last evaluated: 2013-02-21. Review status: criteria provided, single submitter. Criteria: LMM Criteria. Collection method: clinical testing. Allele origin: germline. Observed: 35 variant alleles.
Comment: Phe353Phe in exon 10 of ABCA3: This variant is not expected to have clinical sig nificance because it does not alter an amino acid residue and is not located wit hin the splice consensus sequence. It has been identified in 9.8% (847/8600) of European American chromosomes from a broad population by the NHLBI Exome Sequenc ing Project (dbSNP rs13332514).

Breakthrough Genomics
Classification: Benign. Review status: criteria provided, single submitter. Criteria: ACMG Guidelines, 2015. Collection method: not provided. Allele origin: germline. Inheritance: Autosomal recessive inheritance. Affected: yes.